The following is an entry in ClinVar:

ClinVar aggregate classification (germline): Uncertain significance (1 of 4 stars; one submission).

Allele frequency attached by ClinVar (database versions not stated): gnomAD exomes below 0.00001; TOPMed below 0.00001; ExAC 0.00003.
gnomAD v4.1: 4 of 1,611,408 alleles (0.00025%); highest among the groups gnomAD compares: Admixed American, 0.0067%; no homozygotes.

Submission:

GeneDx
Classification: Uncertain significance. Last evaluated: 2023-01-24. Review status: criteria provided, single submitter. Criteria: GeneDx Variant Classification Process June 2021. Collection method: clinical testing. Allele origin: germline. Affected: yes.
Comment: In silico analysis supports that this missense variant has a deleterious effect on protein structure/function; Has not been previously published as pathogenic or benign to our knowledge

NM_017433.5(MYO3A):c.2242C>T (p.His748Tyr)

Gene: MYO3A (myosin IIIA; plus strand). Cytogenetic location: 10p12.1.
Variant type: single nucleotide variant.
Coding change: c.2242C>T on transcript NM_017433.5 (MANE Select); coding-DNA position 2242, C replaced by T.
Protein change: p.His748Tyr; replaces histidine 748 with tyrosine.
Molecular consequence: missense variant.
Genome position (GRCh38, 1-based): chr10:26,128,518, C>T. VCF-style: chr10-26128518-C-T. GRCh37 (hg19) VCF-style: chr10-26417447-C-T.
Other names: short protein forms H748Y.
Identifiers: ClinVar variation 2573880 (VCV002573880.1), dbSNP rs756101460, ClinGen allele CA5444904.